The following is an entry in ClinVar:

ClinVar aggregate classification (germline): Pathogenic (1 of 4 stars; one submission).

Conditions:
Hereditary breast ovarian cancer syndrome. Also called: Hereditary breast and/or ovarian cancer syndrome; Hereditary breast and ovarian cancer syndrome (HBOC); Breast and ovarian cancer; Hereditary breast and ovarian cancer syndrome; Hereditary breast and ovarian cancer; BRCA1- and BRCA2-Associated Hereditary Breast and Ovarian Cancer. Identifiers: Orphanet 145, MedGen C0677776, MeSH D061325, MONDO:0003582. Disease mechanism: loss of function.

Submission:

Labcorp Genetics (formerly Invitae), Labcorp
Classification: Pathogenic for Hereditary breast ovarian cancer syndrome. Last evaluated: 2024-02-14. Review status: criteria provided, single submitter. Criteria: Invitae Variant Classification Sherloc (09022015). Collection method: clinical testing. Allele origin: germline.
Comment: This sequence change creates a premature translational stop signal (p.Glu1735Lysfs*30) in the BRCA1 gene. While this is not anticipated to result in nonsense mediated decay, it is expected to disrupt the last 129 amino acid(s) of the BRCA1 protein. This variant is not present in population databases (gnomAD no frequency). This variant has not been reported in the literature in individuals affected with BRCA1-related conditions. This variant disrupts the BRCT domain, which is important for DNA repair activity (PMID: 11573086, 14576433, 15133503, 25652403). While functional studies have not been performed to directly test the effect of this variant on BRCA1 protein function, this suggests that disruption of this region of the protein is causative of disease. This variant disrupts a region of the BRCA1 protein in which other variant(s) (p.Tyr1853*) have been determined to be pathogenic (PMID: 7894493, 10811118, 11739404, 12400015, 20104584, 21922593, 24504028). This suggests that this is a clinically significant region of the protein, and that variants that disrupt it are likely to be disease-causing. For these reasons, this variant has been classified as Pathogenic.

Literature cited by the submitters: PubMed 11573086; PubMed 14576433; PubMed 15133503; PubMed 25652403; PubMed 7894493; PubMed 10811118; PubMed 11739404; PubMed 12400015; PubMed 20104584; PubMed 21922593; PubMed 24504028.

NM_007294.4(BRCA1):c.5203del (p.Glu1735fs)

Gene: BRCA1 (BRCA1 DNA repair associated; minus strand). Cytogenetic location: 17q21.31.
Variant type: Deletion.
Coding change: c.5203del on transcript NM_007294.4 (MANE Select); coding-DNA position 5203, one base deleted (G; older notation c.5203delG).
Protein change: p.Glu1735fs; shifts the reading frame from glutamic acid 1735.
Molecular consequence: frameshift variant.
Genome position (GRCh38, 1-based): chr17:43,057,126, C deleted on the plus strand (G on the coding strand, the reverse complement: BRCA1 is on the minus strand). VCF-style (leftmost placement, unchanged base first): chr17-43057125-TC-T. GRCh37 (hg19) VCF-style: chr17-41209142-TC-T.
Other names: c.5059del, p.Glu1687fs (NM_001407743.1, NM_001407741.1, NM_001407742.1 and 21 more transcripts); c.5056del, p.Glu1686fs (NM_001407838.1, NM_001407839.1, NM_001407841.1 and 12 more transcripts); c.5203del, p.Glu1735fs (NM_001407854.1, NM_001407593.1, NM_001407594.1 and 7 more transcripts); c.5200del, p.Glu1734fs (NM_001407858.1, NM_001407859.1, NM_001407860.1 and 17 more transcripts); c.5197del, p.Glu1733fs (NM_001407861.1, NM_001407627.1, NM_001407628.1 and 14 more transcripts); c.5002del, p.Glu1668fs (NM_001407862.1); c.4999del, p.Glu1667fs (NM_001407863.1); c.4996del, p.Glu1666fs (NM_001407874.1, NM_001407875.1); and 73 more; short protein forms E1581fs, E1622fs, E1663fs, E1665fs, E1667fs, E1688fs, E1733fs, E1755fs.
Identifiers: ClinVar variation 2703638 (VCV002703638.3), dbSNP rs2548502419, ClinGen allele CA2697559967.